The following is an entry in ClinVar:

NM_001130009.3(GEN1):c.2027A>G (p.Glu676Gly)

Gene: GEN1 (GEN1 structure-specific endonuclease; plus strand). Cytogenetic location: 2p24.2.
Variant type: single nucleotide variant.
Coding change: c.2027A>G on transcript NM_001130009.3 (MANE Select); coding-DNA position 2027, A replaced by G.
Protein change: p.Glu676Gly; replaces glutamic acid 676 with glycine.
Molecular consequence: missense variant.
Genome position (GRCh38, 1-based): chr2:17,781,239, A>G. VCF-style: chr2-17781239-A-G. GRCh37 (hg19) VCF-style: chr2-17962506-A-G.
Other names: c.2027A>G (NM_001130009.1); c.2027A>G, p.Glu676Gly (NM_182625.5); short protein forms E676G.
Identifiers: ClinVar variation 2890195 (VCV002890195.4), dbSNP rs2545629886, ClinGen allele CA345927153.
Genomic context (GRCh38, chr2:17,781,239, plus strand): 5'-CTGAAGAGCATCTACTTTCTGGCATTACTGATTTATGTCTTCAGGATTTGCCTTTAAAGG[A>G]ACGAATATTTACAAAATTATCATATCCTCAGGATAATCTACAACCAGATGTCAACCTGAA-3'
Protein context (NP_001123481.3, residues 666-686): DLCLQDLPLK[Glu676Gly]RIFTKLSYPQ

ClinVar aggregate classification (germline): Uncertain significance. Review status: criteria provided, multiple submitters, no conflicts (2 of 4 stars). 2 submissions from 2 submitters: Uncertain significance (2). Last evaluated 2026-09-02.

Submissions (2):

Ambry Genetics
Classification: Uncertain significance. Last evaluated: 2026-09-02. Review status: criteria provided, single submitter. Criteria: Ambry Variant Classification Scheme 2023. Collection method: clinical testing. Allele origin: germline.
Comment: The p.E676G variant (also known as c.2027A>G), located in coding exon 13 of the GEN1 gene, results from an A to G substitution at nucleotide position 2027. The glutamic acid at codon 676 is replaced by glycine, an amino acid with similar properties. This amino acid position is conserved. In addition, the in silico prediction for this alteration is inconclusive. Based on the available evidence, the clinical significance of this variant remains unclear.

Labcorp Genetics (formerly Invitae), Labcorp
Classification: Uncertain significance. Last evaluated: 2022-11-28. Review status: criteria provided, single submitter. Criteria: Invitae Variant Classification Sherloc (09022015). Collection method: clinical testing. Allele origin: germline.
Comment: This sequence change replaces glutamic acid, which is acidic and polar, with glycine, which is neutral and non-polar, at codon 676 of the GEN1 protein (p.Glu676Gly). This variant is not present in population databases (gnomAD no frequency). This variant has not been reported in the literature in individuals affected with GEN1-related conditions. Algorithms developed to predict the effect of missense changes on protein structure and function are either unavailable or do not agree on the potential impact of this missense change (SIFT: "Deleterious"; PolyPhen-2: "Probably Damaging"; Align-GVGD: "Class C0"). In summary, the available evidence is currently insufficient to determine the role of this variant in disease. Therefore, it has been classified as a Variant of Uncertain Significance.